The following is an entry in ClinVar:

NM_000203.5(IDUA):c.436_447del (p.Lys146_Val149del)

Gene: IDUA (alpha-L-iduronidase; plus strand). Cytogenetic location: 4p16.3.
Variant type: Deletion.
Coding change: c.436_447del on transcript NM_000203.5 (MANE Select); coding-DNA positions 436 to 447, 12 bases deleted (AAGCAGCAGGTG).
Protein change: p.Lys146_Val149del.
Molecular consequence: non-coding transcript variant (on NR_110313.1).
Genome position (GRCh38, 1-based): chr4:1,000,932-1,000,943, AAGCAGCAGGTG deleted. VCF-style (leftmost placement, unchanged base first): chr4-1000931-CAAGCAGCAGGTG-C. GRCh37 (hg19) VCF-style: chr4-994719-CAAGCAGCAGGTG-C.
Other names: p.Lys146_Val149del; c.40_51del, p.Lys14_Val17del (NM_001363576.1).
Identifiers: ClinVar variation 3778642 (VCV003778642.1).

ClinVar aggregate classification (germline): Likely pathogenic (1 of 4 stars; one submission).

Conditions:
Hurler syndrome. Also called: MUCOPOLYSACCHARIDOSIS TYPE IH; Severe MPS I (Hurler Syndrome); Gargoylism, Hurler Syndrome. Identifiers: Orphanet 93473, MedGen C0086795, MONDO:0011758, OMIM 607014.

Submission:

Foundation for Research in Genetics and Endocrinology, FRIGE's Institute of Human Genetics
Classification: Likely pathogenic for Hurler syndrome. Last evaluated: 2025-04-03. Review status: criteria provided, single submitter. Criteria: ACMG Guidelines, 2015. Collection method: clinical testing. Allele origin: germline. Inheritance: Autosomal recessive inheritance. Affected: yes. Observed: 1 homozygote.
Comment: A homozygous twelve base pair deletion in exon 4 of the IDUA gene (chr4:g.994720_994731del; Depth:141x) that results in a deletion of four amino acids from codon 146-149 was detected. This variant has not been reported in the 1000 genomes and gnomAD databases. The in-silico prediction of the variant is disease causing by MutationTaster. In summary, the variant meets our criteria to be classified as likely pathogenic.